The following is an entry in ClinVar:

ClinVar aggregate classification (germline): Uncertain significance (1 of 4 stars; one submission).

Conditions:
Hereditary nonpolyposis colorectal neoplasms. Identifiers: MedGen C0009405, MeSH D003123.

Submission:

Labcorp Genetics (formerly Invitae), Labcorp
Classification: Uncertain significance for Hereditary nonpolyposis colorectal neoplasms. Last evaluated: 2024-04-06. Review status: criteria provided, single submitter. Criteria: Invitae Variant Classification Sherloc (09022015). Collection method: clinical testing. Allele origin: germline.
Comment: This sequence change replaces lysine, which is basic and polar, with glutamic acid, which is acidic and polar, at codon 21 of the PMS2 protein (p.Lys21Glu). This variant is not present in population databases (gnomAD no frequency). This variant has not been reported in the literature in individuals affected with PMS2-related conditions. Advanced modeling of protein sequence and biophysical properties (such as structural, functional, and spatial information, amino acid conservation, physicochemical variation, residue mobility, and thermodynamic stability) performed at Invitae indicates that this missense variant is not expected to disrupt PMS2 protein function with a negative predictive value of 80%. In summary, the available evidence is currently insufficient to determine the role of this variant in disease. Therefore, it has been classified as a Variant of Uncertain Significance.

NM_000535.7(PMS2):c.61A>G (p.Lys21Glu)

Gene: PMS2 (PMS1 homolog 2, mismatch repair system component; minus strand). Cytogenetic location: 7p22.1.
Variant type: single nucleotide variant.
Coding change: c.61A>G on transcript NM_000535.7 (MANE Select); coding-DNA position 61, A replaced by G.
Protein change: p.Lys21Glu; replaces lysine 21 with glutamic acid.
Molecular consequence: missense variant. On other transcripts: 5 prime UTR variant (38), non-coding transcript variant (1), intron variant (7).
Genome position (GRCh38, 1-based): chr7:6,005,994, T>C on the plus strand (A>G on the coding strand, the complement: PMS2 is on the minus strand). VCF-style: chr7-6005994-T-C. GRCh37 (hg19) VCF-style: chr7-6045625-T-C.
Other names: c.-345A>G (NM_001322003.2, NM_001322005.2, NM_001322009.2 and 10 more transcripts); c.61A>G, p.Lys21Glu (NM_001322006.2, NM_001322014.2, NM_001406868.1 and 10 more transcripts); c.-155A>G (NM_001322007.2, NM_001406896.1, NM_001406901.1 and 4 more transcripts); c.-824A>G (NM_001322011.2, NM_001322012.2); c.-424A>G (NM_001322015.2, NM_001406875.1, NM_001406877.1 and 2 more transcripts); c.247A>G, p.Lys83Glu (NM_001406866.1); c.-292A>G (NM_001406888.1, NM_001406889.1, NM_001406892.1 and 5 more transcripts); c.-335A>G (NM_001406890.1); and 7 more; short protein forms K21E, K83E.
Identifiers: ClinVar variation 3648943 (VCV003648943.2).